The following is an entry in ClinVar:

ClinVar aggregate classification (germline): Uncertain significance. Review status: criteria provided, multiple submitters, no conflicts (2 of 4 stars). 2 submissions from 2 submitters: Uncertain significance (2). Last evaluated 2022-04-04.

Conditions:
Majeed syndrome (MJDS). Also called: CHRONIC RECURRENT MULTIFOCAL OSTEOMYELITIS 1, WITH CONGENITAL DYSERYTHROPOIETIC ANEMIA, WITH OR WITHOUT NEUTROPHILIC DERMATOSIS; LPIN2-Related Majeed Syndrome. Identifiers: Orphanet 77297, MedGen C1864997, MONDO:0012316, OMIM 609628.

Submissions (2):

Labcorp Genetics (formerly Invitae), Labcorp
Classification: Uncertain significance for Majeed syndrome. Last evaluated: 2022-04-04. Review status: criteria provided, single submitter. Criteria: Invitae Variant Classification Sherloc (09022015). Collection method: clinical testing. Allele origin: germline.
Comment: This sequence change replaces glutamic acid, which is acidic and polar, with glutamine, which is neutral and polar, at codon 351 of the LPIN2 protein (p.Glu351Gln). This variant is not present in population databases (gnomAD no frequency). This variant has not been reported in the literature in individuals affected with LPIN2-related conditions. ClinVar contains an entry for this variant (Variation ID: 889670). Algorithms developed to predict the effect of missense changes on protein structure and function output the following: SIFT: "Tolerated"; PolyPhen-2: "Benign"; Align-GVGD: "Class C0". The glutamine amino acid residue is found in multiple mammalian species, which suggests that this missense change does not adversely affect protein function. In summary, the available evidence is currently insufficient to determine the role of this variant in disease. Therefore, it has been classified as a Variant of Uncertain Significance.

Illumina Laboratory Services, Illumina
Classification: Uncertain significance for Majeed syndrome. Last evaluated: 2018-01-13. Review status: criteria provided, single submitter. Criteria: ICSL Variant Classification Criteria 13 December 2019. Collection method: clinical testing. Allele origin: germline.

NM_001375808.2(LPIN2):c.1051G>C (p.Glu351Gln)

Gene: LPIN2 (lipin 2; minus strand). Cytogenetic location: 18p11.31.
Variant type: single nucleotide variant.
Coding change: c.1051G>C on transcript NM_001375808.2 (MANE Select); coding-DNA position 1051, G replaced by C.
Protein change: p.Glu351Gln; replaces glutamic acid 351 with glutamine.
Molecular consequence: missense variant.
Genome position (GRCh38, 1-based): chr18:2,937,809, C>G on the plus strand (G>C on the coding strand, the complement: LPIN2 is on the minus strand). VCF-style: chr18-2937809-C-G. GRCh37 (hg19) VCF-style: chr18-2937807-C-G.
Other names: c.1051G>C, p.Glu351Gln (NM_001375809.1, NM_014646.2); short protein forms E351Q.
Identifiers: ClinVar variation 889670 (VCV000889670.8), dbSNP rs2077310038, ClinGen allele CA401706401.